The following is an entry in ClinVar:

ClinVar aggregate classification (germline): Uncertain significance (1 of 4 stars; one submission).

Allele frequency attached by ClinVar (database versions not stated): gnomAD exomes 0.00001.
gnomAD v4.1: 3 of 1,613,878 alleles (0.00019%); highest among the groups gnomAD compares: Admixed American, 0.005%; no homozygotes.

Submission:

Labcorp Genetics (formerly Invitae), Labcorp
Classification: Uncertain significance. Last evaluated: 2024-08-29. Review status: criteria provided, single submitter. Criteria: Invitae Variant Classification Sherloc (09022015). Collection method: clinical testing. Allele origin: germline.
Comment: This sequence change replaces leucine, which is neutral and non-polar, with valine, which is neutral and non-polar, at codon 330 of the COMP protein (p.Leu330Val). This variant is not present in population databases (gnomAD no frequency). This variant has not been reported in the literature in individuals affected with COMP-related conditions. ClinVar contains an entry for this variant (Variation ID: 1900796). Invitae Evidence Modeling of protein sequence and biophysical properties (such as structural, functional, and spatial information, amino acid conservation, physicochemical variation, residue mobility, and thermodynamic stability) has been performed for this missense variant. However, the output from this modeling did not meet the statistical confidence thresholds required to predict the impact of this variant on COMP protein function. In summary, the available evidence is currently insufficient to determine the role of this variant in disease. Therefore, it has been classified as a Variant of Uncertain Significance.

NM_000095.3(COMP):c.988C>G (p.Leu330Val)

Gene: COMP (cartilage oligomeric matrix protein; minus strand). Cytogenetic location: 19p13.11.
Variant type: single nucleotide variant.
Coding change: c.988C>G on transcript NM_000095.3 (MANE Select); coding-DNA position 988, C replaced by G.
Protein change: p.Leu330Val; replaces leucine 330 with valine.
Molecular consequence: missense variant.
Genome position (GRCh38, 1-based): chr19:18,787,638, G>C on the plus strand (C>G on the coding strand, the complement: COMP is on the minus strand). VCF-style: chr19-18787638-G-C. GRCh37 (hg19) VCF-style: chr19-18898447-G-C.
Other names: short protein forms L330V.
Identifiers: ClinVar variation 1900796 (VCV001900796.5), dbSNP rs2512850354, ClinGen allele CA404890356.